The following is an entry in ClinVar:

ClinVar aggregate classification (germline): Likely benign (1 of 4 stars; one submission).

Allele frequency attached by ClinVar (database versions not stated): ESP Exome Variant Server 0.00008; TOPMed 0.00014; ExAC 0.00015; gnomAD 0.00023.

Submission:

CeGaT Center for Human Genetics Tuebingen
Classification: Likely benign. Last evaluated: 2023-02-01. Review status: criteria provided, single submitter. Criteria: CeGaT Center For Human Genetics Tuebingen Variant Classification Criteria Version 2. Collection method: clinical testing. Allele origin: germline. Affected: yes. Observed: 1 variant allele.
Comment: ADAMTS7: BP4, BP7

NM_014272.5(ADAMTS7):c.4305G>A (p.Pro1435=)

Gene: ADAMTS7 (ADAM metallopeptidase with thrombospondin type 1 motif 7; minus strand). Cytogenetic location: 15q25.1.
Variant type: single nucleotide variant.
Coding change: c.4305G>A on transcript NM_014272.5 (MANE Select); coding-DNA position 4305, G replaced by A.
Protein change: p.Pro1435=; no amino-acid change (proline 1435 retained).
Molecular consequence: synonymous variant.
Genome position (GRCh38, 1-based): chr15:78,764,669, C>T on the plus strand (G>A on the coding strand, the complement: ADAMTS7 is on the minus strand). VCF-style: chr15-78764669-C-T. GRCh37 (hg19) VCF-style: chr15-79057011-C-T.
Identifiers: ClinVar variation 2645616 (VCV002645616.24), dbSNP rs368083728, ClinGen allele CA7685503.